The following is an entry in ClinVar:

ClinVar aggregate classification (germline): Benign. Review status: reviewed by expert panel (3 of 4 stars). 8 submissions from 8 submitters: Benign (1). 7 of the submissions do not count toward it. Last evaluated 2021-06-15.

Conditions:
Nonsyndromic genetic hearing loss. Also called: Nonsyndromic hearing loss and deafness; Non-syndromic genetic deafness; Nonsyndromic genetic deafness. Identifiers: Orphanet 87884, MedGen C5680182, MONDO:0019497.

Allele frequency attached by ClinVar (database versions not stated): ExAC 0.00087; gnomAD exomes 0.00195; ESP Exome Variant Server 0.00764; gnomAD 0.01472 and 0.01604; 1000 Genomes Project 0.01558; TOPMed 0.01689; 1000 Genomes Project 30x 0.01780.
gnomAD v4.1: 4,091 of 1,509,772 alleles (0.27%); highest among the groups gnomAD compares: African/African-American, 4.7%; 85 homozygotes.

Submissions (8):

ClinGen Hearing Loss Variant Curation Expert Panel
Classification: Benign for Nonsyndromic genetic hearing loss. Last evaluated: 2021-06-15. Review status: reviewed by expert panel. Criteria: clingen hl acmg specifications otof myo15a v1. Collection method: curation. Allele origin: germline. Inheritance: Autosomal recessive inheritance.
Comment: The filtering allele frequency (the lower threshold of the 95% CI of 511/11092) of the p.Arg746Ser variant in the MYO15A gene is 4.27% for African chromosomes (including 8 homozygous observations) by gnomAD, which is a high enough frequency to be classified as benign based on thresholds defined by the ClinGen Hearing Loss Expert Panel for autosomal recessive hearing loss variants (BA1). Additionally, computational prediction analysis using the metapredictor tool REVEL suggests that the variant may not impact the protein (BP4). In summary, this variant meets criteria to be classified as benign. ACMG/AMP criteria applied, as specified by the Hearing Loss Expert Panel : BA1, BP4.

Labcorp Genetics (formerly Invitae), Labcorp
Classification: Benign. Last evaluated: 2026-01-31. Review status: criteria provided, single submitter. Criteria: Invitae Variant Classification Sherloc (09022015). Collection method: clinical testing. Allele origin: germline. Not counted in ClinVar's aggregate classification.

Mayo Clinic Laboratories, Mayo Clinic
Classification: Benign. Last evaluated: 2023-01-30. Review status: criteria provided, single submitter. Criteria: ACMG Guidelines, 2015. Collection method: clinical testing. Allele origin: germline. Observed: 1 variant allele. Not counted in ClinVar's aggregate classification.
Comment: BA1, BS2

GeneDx
Classification: Benign. Last evaluated: 2017-12-18. Review status: criteria provided, single submitter. Criteria: GeneDx Variant Classification (06012015). Collection method: clinical testing. Allele origin: germline. Affected: yes. Not counted in ClinVar's aggregate classification.
Comment: This variant is considered likely benign or benign based on one or more of the following criteria: it is a conservative change, it occurs at a poorly conserved position in the protein, it is predicted to be benign by multiple in silico algorithms, and/or has population frequency not consistent with disease.

Center for Pediatric Genomic Medicine, Children's Mercy Hospital and Clinics
Classification: Likely benign. Last evaluated: 2016-07-22. Review status: criteria provided, single submitter. Criteria: ACMG Guidelines, 2015. Collection method: clinical testing. Allele origin: germline. Not counted in ClinVar's aggregate classification.
ClinVar note: Converted during submission from Likely Benign to Likely benign.

Eurofins Ntd Llc (ga)
Classification: Benign. Last evaluated: 2016-07-08. Review status: criteria provided, single submitter. Criteria: EGL Classification Definitions 2015. Collection method: clinical testing. Allele origin: germline. Observed: 1 variant allele, 1 heterozygote. Not counted in ClinVar's aggregate classification.

Laboratory for Molecular Medicine, Mass General Brigham Personalized Medicine
Classification: Benign. Last evaluated: 2012-04-30. Review status: criteria provided, single submitter. Criteria: LMM Criteria. Collection method: clinical testing. Allele origin: germline. Observed: 2 variant alleles. Not counted in ClinVar's aggregate classification.
Comment: Arg746Ser in Exon 02 of MYO15A: This variant is not expected to have clinical si gnificance because it has been identified in 2.6% (42/1612) of African American chromosomes from a broad population by the NHLBI Exome Sequencing Project (dbSNP rs79760961).

Breakthrough Genomics
Classification: Benign. Review status: criteria provided, single submitter. Criteria: ACMG Guidelines, 2015. Collection method: not provided. Allele origin: germline. Inheritance: Autosomal recessive inheritance. Affected: yes. Not counted in ClinVar's aggregate classification.

NM_016239.4(MYO15A):c.2238G>T (p.Arg746Ser)

Gene: MYO15A (myosin XVA; plus strand). Cytogenetic location: 17p11.2.
Variant type: single nucleotide variant.
Coding change: c.2238G>T on transcript NM_016239.4 (MANE Select); coding-DNA position 2238, G replaced by T.
Protein change: p.Arg746Ser; replaces arginine 746 with serine.
Molecular consequence: missense variant.
Genome position (GRCh38, 1-based): chr17:18,121,038, G>T. VCF-style: chr17-18121038-G-T. GRCh37 (hg19) VCF-style: chr17-18024352-G-T.
Other names: NM_016239.4(MYO15A):c.2238G>T; short protein forms R746S.
Identifiers: ClinVar variation 226780 (VCV000226780.21), dbSNP rs79760961, ClinGen allele CA8423237.
Genomic context (GRCh38, chr17:18,121,038, plus strand): 5'-CGTGAGCCCGGAGGTGCCCCCCGACCTACTAGCCTTCCCAGGGCCCCGACCCTCGTTCAG[G>T]GGCTCCCGCCGGAGAGGGGCGGCTTTCGGCTTCCCCGGGGCCTCTCCACGGGCGTCGCGG-3'
Protein context (NP_057323.3, residues 736-756): LAFPGPRPSF[Arg746Ser]GSRRRGAAFG